The following is an entry in ClinVar:

ClinVar aggregate classification (germline): Uncertain significance (1 of 4 stars; one submission).

Conditions:
Tuberous sclerosis syndrome (TSC). Also called: Tuberous sclerosis; Tuberous Sclerosis Complex. Identifiers: Orphanet 805, MedGen C0041341, MONDO:0001734.

Submission:

All of Us Research Program, National Institutes of Health
Classification: Uncertain significance for Tuberous sclerosis syndrome. Last evaluated: 2023-03-28. Review status: criteria provided, single submitter. Criteria: ACMG Guidelines, 2015. Collection method: clinical testing. Allele origin: germline. Inheritance: Autosomal dominant inheritance. Observed: 1 variant allele, 1 heterozygote.
Comment: This study involves interpretation of variants in research participants for the purpose of population health screening. Participant phenotype was not available at the time of variant classification. Additional details can be found in publication PMID: 35346344, PMCID: PMC8962531

NM_000548.5(TSC2):c.5418_5419insTG (p.Val1807fs)

Gene: TSC2 (TSC complex subunit 2; plus strand). Cytogenetic location: 16p13.3.
Variant type: Insertion.
Coding change: c.5418_5419insTG on transcript NM_000548.5 (MANE Select); coding-DNA positions 5418 to 5419, TG inserted.
Protein change: p.Val1807fs; shifts the reading frame from valine 1807.
Molecular consequence: frameshift variant. On other transcripts: non-coding transcript variant (5).
Genome position: GRCh38 VCF-style: chr16-2088604-T-TTG. GRCh37 (hg19) VCF-style: chr16-2138605-T-TTG.
Other names: c.4617_4618insTG, p.Val1540fs (NM_001406687.1, NM_001406688.1); c.4005_4006insTG, p.Val1336fs (NM_001406689.1); c.3945_3946insTG, p.Val1316fs (NM_001406690.1); c.3942_3943insTG, p.Val1315fs (NM_001406691.1); c.3876_3877insTG, p.Val1293fs (NM_001406692.1, NM_001406693.1, NM_001406694.1); c.3873_3874insTG, p.Val1292fs (NM_001406695.1, NM_001406696.1, NM_001406697.1); c.3615_3616insTG, p.Val1206fs (NM_001406698.1); c.5289_5290insTG, p.Val1764fs (NM_021055.3); and 27 more; short protein forms V1206fs, V1292fs, V1293fs, V1315fs, V1316fs, V1336fs, V1540fs, V1541fs.
Identifiers: ClinVar variation 3070018 (VCV003070018.1), dbSNP rs2544522021, ClinGen allele CA2825002360.